The following is an entry in ClinVar:

ClinVar aggregate classification (germline): Benign/Likely benign. Review status: criteria provided, multiple submitters, no conflicts (2 of 4 stars). 13 submissions from 13 submitters: Benign (9); Likely benign (1). 3 of the submissions do not count toward it. Last evaluated 2026-02-02.

Conditions:
Alport syndrome. Also called: Hemorrhagic familial nephritis; Hemorrhagic hereditary nephritis; Congenital hereditary hematuria. Identifiers: Orphanet 63, MedGen C1567741, MONDO:0018965.
Focal segmental glomerulosclerosis (FSGS). Also called: Glomerulosclerosis, focal; Focal sclerosis with hyalinosis. Identifiers: MedGen C0017668, MONDO:0100313, HP:0000097. Disease mechanism: loss of function.
Autosomal recessive Alport syndrome (ATS2). Also called: Alport syndrome type 2; COL4A4 Alport Syndrome and Thin Basement Membrane Nephropathy; ALPORT SYNDROME 2, AUTOSOMAL RECESSIVE; COL4A3-Related Nephropathy. Identifiers: Orphanet 63, Orphanet 88919, MedGen C4746745, MONDO:0008762, OMIM 203780.

Allele frequency attached by ClinVar (database versions not stated): gnomAD exomes 0.00250 and 0.00639; ExAC 0.01353; gnomAD 0.02602 and 0.02777; ESP Exome Variant Server 0.02822; TOPMed 0.02941; 1000 Genomes Project 0.03514; 1000 Genomes Project 30x 0.03841.

Submissions (13):

Labcorp Genetics (formerly Invitae), Labcorp
Classification: Benign. Last evaluated: 2026-02-02. Review status: criteria provided, single submitter. Criteria: Invitae Variant Classification Sherloc (09022015). Collection method: clinical testing. Allele origin: germline.

Women's Health and Genetics/Laboratory Corporation of America, LabCorp
Classification: Benign. Last evaluated: 2024-11-29. Review status: criteria provided, single submitter. Criteria: LabCorp Variant Classification Summary - May 2015. Collection method: clinical testing. Allele origin: germline.

Blueprint Genetics
Classification: Likely benign. Last evaluated: 2024-11-26. Review status: criteria provided, single submitter. Criteria: ACMG Guidelines, 2015. Collection method: clinical testing. Allele origin: germline.

Mayo Clinic Laboratories, Mayo Clinic
Classification: Benign. Last evaluated: 2023-03-26. Review status: criteria provided, single submitter. Criteria: ACMG Guidelines, 2015. Collection method: clinical testing. Allele origin: germline. Observed: 14 variant alleles.

Genome Diagnostics Laboratory, The Hospital for Sick Children
Classification: Benign for Focal segmental glomerulosclerosis. Last evaluated: 2022-03-11. Review status: criteria provided, single submitter. Criteria: ACMG Guidelines, 2015. Collection method: clinical testing. Allele origin: germline.

Illumina Laboratory Services, Illumina
Classification: Benign for Alport syndrome. Last evaluated: 2018-01-12. Review status: criteria provided, single submitter. Criteria: ICSL Variant Classification Criteria 13 December 2019. Collection method: clinical testing. Allele origin: germline.
Comment: This variant was observed in the ICSL laboratory as part of a predisposition screen in an ostensibly healthy population. It had not been previously curated by ICSL or reported in the Human Gene Mutation Database (HGMD: prior to June 1st, 2018), and was therefore a candidate for classification through an automated scoring system. Utilizing variant allele frequency, disease prevalence and penetrance estimates, and inheritance mode, an automated score was calculated to assess if this variant is too frequent to cause the disease. Based on the score and internal cut-off values, a variant classified as benign is not then subjected to further curation. The score for this variant resulted in a classification of benign for this disease.

GeneDx
Classification: Benign. Last evaluated: 2017-12-18. Review status: criteria provided, single submitter. Criteria: GeneDx Variant Classification (06012015). Collection method: clinical testing. Allele origin: germline. Affected: yes.
Comment: This variant is considered likely benign or benign based on one or more of the following criteria: it is a conservative change, it occurs at a poorly conserved position in the protein, it is predicted to be benign by multiple in silico algorithms, and/or has population frequency not consistent with disease.

Athena Diagnostics
Classification: Benign for Autosomal recessive Alport syndrome. Last evaluated: 2017-05-31. Review status: criteria provided, single submitter. Criteria: Athena Diagnostics Criteria. Collection method: clinical testing. Allele origin: germline.

Laboratory for Molecular Medicine, Mass General Brigham Personalized Medicine
Classification: Benign. Last evaluated: 2016-03-21. Review status: criteria provided, single submitter. Criteria: LMM Criteria. Collection method: clinical testing. Allele origin: germline. Observed: 3 variant alleles.
Comment: p.Tyr316Tyr in exon 16 of COL4A4: This variant is not expected to have clinical significance because it does not alter an amino acid residue, is not located wit hin the splice consensus sequence, and has been identified in 12.23% (748/6116) of African chromosomes by the Exome Aggregation Consortium (ExAC; dbSNP rs34509421).

Breakthrough Genomics
Classification: Benign. Review status: criteria provided, single submitter. Criteria: ACMG Guidelines, 2015. Collection method: not provided. Allele origin: germline. Inheritance: Autosomal recessive inheritance. Affected: yes.

Natera, Inc.
Classification: Benign for Alport syndrome. Last evaluated: 2020-09-16. Review status: no assertion criteria provided. Collection method: clinical testing. Allele origin: germline. Not counted in ClinVar's aggregate classification.

Genome Diagnostics Laboratory, University Medical Center Utrecht
Classification: Benign. Review status: no assertion criteria provided. Collection method: clinical testing. Allele origin: germline. Affected: yes. Study: VKGL Data-share Consensus. Not counted in ClinVar's aggregate classification.

Joint Genome Diagnostic Labs from Nijmegen and Maastricht, Radboudumc and MUMC+
Classification: Likely benign. Review status: no assertion criteria provided. Collection method: clinical testing. Allele origin: germline. Affected: yes. Study: VKGL Data-share Consensus. Not counted in ClinVar's aggregate classification.

NM_000092.5(COL4A4):c.948T>C (p.Tyr316=)

Gene: COL4A4 (collagen type IV alpha 4 chain; minus strand). Cytogenetic location: 2q36.3.
Variant type: single nucleotide variant.
Coding change: c.948T>C on transcript NM_000092.5 (MANE Select); coding-DNA position 948, T replaced by C.
Protein change: p.Tyr316=; no amino-acid change (tyrosine 316 retained).
Molecular consequence: synonymous variant.
Genome position (GRCh38, 1-based): chr2:227,101,892, A>G on the plus strand (T>C on the coding strand, the complement: COL4A4 is on the minus strand). VCF-style: chr2-227101892-A-G. GRCh37 (hg19) VCF-style: chr2-227966608-A-G.
Other names: p.Tyr316=.
Identifiers: ClinVar variation 334732 (VCV000334732.27), dbSNP rs34509421, ClinGen allele CA2145346.
Genomic context (GRCh38, chr2:227,101,892, plus strand): 5'-GTATTTATTATCTCTATAATGAGGTACATTTACCTTTAATCCTGGAAAACCTGGAGATCC[A>G]TAGGAACCAGGATCCCCCTAATAAATTCACAAAAATCAGGATAAACAGAATTAAATCAGA-3'
Protein context (NP_000083.3, residues 306-326): FPGPRGDPGS[Tyr316=]GSPGFPGLKG